The following is an entry in ClinVar:

NM_004714.3(DYRK1B):c.1358C>T (p.Ala453Val)

Gene: DYRK1B (dual specificity tyrosine phosphorylation regulated kinase 1B; minus strand). Cytogenetic location: 19q13.2.
Variant type: single nucleotide variant.
Coding change: c.1358C>T on transcript NM_004714.3 (MANE Select); coding-DNA position 1358, C replaced by T.
Protein change: p.Ala453Val; replaces alanine 453 with valine.
Molecular consequence: missense variant.
Genome position (GRCh38, 1-based): chr19:39,826,725, G>A on the plus strand (C>T on the coding strand, the complement: DYRK1B is on the minus strand). VCF-style: chr19-39826725-G-A. GRCh37 (hg19) VCF-style: chr19-40317365-G-A.
Other names: c.1238C>T, p.Ala413Val (NM_006483.3); c.1274C>T, p.Ala425Val (NM_006484.3); short protein forms A413V, A425V, A453V.
Identifiers: ClinVar variation 3037002 (VCV003037002.2), dbSNP rs755994296, ClinGen allele CA9434074.

ClinVar aggregate classification (germline): Uncertain significance (0 of 4 stars; one submission).

Conditions:
DYRK1B-related disorder. Also called: DYRK1B-related condition.

Allele frequency attached by ClinVar (database versions not stated): gnomAD 0.00002; gnomAD exomes 0.00003; TOPMed 0.00003; ExAC 0.00005.
gnomAD v4.1: 43 of 1,602,906 alleles (0.0027%); highest among the groups gnomAD compares: East Asian, 0.025%; no homozygotes.

Submission:

PreventionGenetics, part of Exact Sciences
Classification: Uncertain significance for DYRK1B-related condition. Last evaluated: 2024-05-13. Review status: no assertion criteria provided. Collection method: clinical testing. Allele origin: germline.
Comment: The DYRK1B c.1358C>T variant is predicted to result in the amino acid substitution p.Ala453Val. To our knowledge, this variant has not been reported in the literature. This variant is reported in 0.012% of alleles in individuals of East Asian descent in gnomAD. Although we suspect that this variant may be benign, at this time, the clinical significance of this variant is uncertain due to the absence of conclusive functional and genetic evidence.